The following is an entry in ClinVar:

ClinVar aggregate classification (germline): Benign/Likely benign. Review status: criteria provided, multiple submitters, no conflicts (2 of 4 stars). 7 submissions from 7 submitters: Benign (1); Likely benign (4). 2 of the submissions do not count toward it. Last evaluated 2026-01-15.

Conditions:
Retinitis pigmentosa (RP). Identifiers: Orphanet 791, MedGen C0035334, MeSH D012174, MONDO:0019200, OMIM 268000. Inheritance: Autosomal dominant, autosomal recessive and X linked inheritance.

Allele frequency attached by ClinVar (database versions not stated): 1000 Genomes Project 0.00140; 1000 Genomes Project 30x 0.00141; TOPMed 0.00162; ESP Exome Variant Server 0.00177; gnomAD 0.00184; gnomAD exomes 0.00209 and 0.00221; ExAC 0.00240.
gnomAD v4.1: 3,342 of 1,614,122 alleles (0.21%); highest among the groups gnomAD compares: Non-Finnish European, 0.22%; 7 homozygotes.

Submissions (7):

Labcorp Genetics (formerly Invitae), Labcorp
Classification: Benign. Last evaluated: 2026-01-15. Review status: criteria provided, single submitter. Criteria: Invitae Variant Classification Sherloc (09022015). Collection method: clinical testing. Allele origin: germline.

Blueprint Genetics
Classification: Likely benign. Last evaluated: 2024-11-25. Review status: criteria provided, single submitter. Criteria: ACMG Guidelines, 2015. Collection method: clinical testing. Allele origin: germline.

CeGaT Center for Human Genetics Tuebingen
Classification: Likely benign. Last evaluated: 2023-02-01. Review status: criteria provided, single submitter. Criteria: CeGaT Center For Human Genetics Tuebingen Variant Classification Criteria Version 2. Collection method: clinical testing. Allele origin: germline. Affected: yes. Observed: 2 variant alleles.
Comment: RP1: BP4, BP7, BS2

Illumina Laboratory Services, Illumina
Classification: Likely benign for Retinitis pigmentosa. Last evaluated: 2018-01-13. Review status: criteria provided, single submitter. Criteria: ICSL Variant Classification Criteria 13 December 2019. Collection method: clinical testing. Allele origin: germline.
Comment: This variant was observed in the ICSL laboratory as part of a predisposition screen in an ostensibly healthy population. It had not been previously curated by ICSL or reported in the Human Gene Mutation Database (HGMD: prior to June 1st, 2018), and was therefore a candidate for classification through an automated scoring system. Utilizing variant allele frequency, disease prevalence and penetrance estimates, and inheritance mode, an automated score was calculated to assess if this variant is too frequent to cause the disease. Based on the score and internal cut-off values, a variant classified as likely benign is not then subjected to further curation. The score for this variant resulted in a classification of likely benign for this disease.

Breakthrough Genomics
Classification: Likely benign. Review status: criteria provided, single submitter. Criteria: ACMG Guidelines, 2015. Collection method: not provided. Allele origin: germline. Inheritance: Autosomal dominant inheritance. Affected: yes.

Clinical Genetics DNA and cytogenetics Diagnostics Lab, Erasmus MC, Erasmus Medical Center
Classification: Likely benign. Review status: no assertion criteria provided. Collection method: clinical testing. Allele origin: germline. Affected: yes. Study: VKGL Data-share Consensus. Not counted in ClinVar's aggregate classification.

Clinical Genetics, Academic Medical Center
Classification: Benign. Review status: no assertion criteria provided. Collection method: clinical testing. Allele origin: germline. Affected: yes. Study: VKGL Data-share Consensus. Not counted in ClinVar's aggregate classification.

NM_006269.2(RP1):c.279G>T (p.Thr93=)

Gene: RP1 (RP1 axonemal microtubule associated; plus strand). Cytogenetic location: 8q12.1.
Variant type: single nucleotide variant.
Coding change: c.279G>T on transcript NM_006269.2 (MANE Select); coding-DNA position 279, G replaced by T.
Protein change: p.Thr93=; no amino-acid change (threonine 93 retained).
Molecular consequence: synonymous variant.
Genome position (GRCh38, 1-based): chr8:54,621,245, G>T. VCF-style: chr8-54621245-G-T. GRCh37 (hg19) VCF-style: chr8-55533805-G-T.
Other names: c.279G>T, p.Thr93= (NM_001375654.1).
Identifiers: ClinVar variation 734306 (VCV000734306.51), dbSNP rs144293929, ClinGen allele CA4751105.